The following is an entry in ClinVar:

ClinVar aggregate classification (germline): Pathogenic (1 of 4 stars; one submission).

Submission:

GeneDx
Classification: Pathogenic. Last evaluated: 2019-02-20. Review status: criteria provided, single submitter. Criteria: GeneDx Variant Classification (06012015). Collection method: clinical testing. Allele origin: germline. Affected: yes.
Comment: The c.239delG variant in the OCRL gene has not been reported previously as a pathogenic variant nor as a benign variant, to our knowledge. The c.239delG variant causes a frameshift starting with codon Serine 80, changes this amino acid to a Methionine residue, and creates a premature Stop codon at position 26 of the new reading frame, denoted p.Ser80MetfsX26. This variant is predicted to cause loss of normal protein function either through protein truncation or nonsense-mediated mRNA decay. The c.239delG variant is not observed in large population cohorts (Lek et al., 2016). We interpret c.239delG as a pathogenic variant.

NM_000276.3(OCRL):c.239delG

Gene: OCRL (OCRL inositol polyphosphate-5-phosphatase; plus strand). Cytogenetic location: Xq26.1.
Variant type: Deletion.
Coding change: c.239delG on transcript NM_000276.3; coding-DNA position 239, one base deleted (G).
Genome position (GRCh38, 1-based): chrX:129,557,325, G deleted; the last of 2 consecutive G bases (chrX:129,557,324-129,557,325); deleting either gives the same sequence. VCF-style (leftmost placement, unchanged base first): chrX-129557323-AG-A. GRCh37 (hg19) VCF-style: chrX-128691300-AG-A.
Identifiers: ClinVar variation 817444 (VCV000817444.3), dbSNP rs1602780580, ClinGen allele CA915952380.